The following is an entry in ClinVar:

ClinVar aggregate classification (germline): Likely benign. Review status: criteria provided, multiple submitters, no conflicts (2 of 4 stars). 4 submissions from 4 submitters: Likely benign (4). Last evaluated 2025-12-09.

Conditions:
Cardiovascular phenotype. Identifiers: MedGen CN230736.
JPH2-related disorder. Also called: JPH2-related condition.
Hypertrophic cardiomyopathy. Also called: HYPERTROPHIC MYOCARDIOPATHY. Identifiers: Orphanet 217569, MedGen C0007194, MeSH D002312, MONDO:0005045, HP:0001639.

Allele frequency attached by ClinVar (database versions not stated): gnomAD exomes 0.00003 and 0.00006; ExAC 0.00007; gnomAD 0.00024 and 0.00025; TOPMed 0.00025; 1000 Genomes Project 0.00040; 1000 Genomes Project 30x 0.00078.
gnomAD v4.1: 86 of 1,586,446 alleles (0.0054%); highest among the groups gnomAD compares: African/African-American, 0.09%; no homozygotes.

Submissions (4):

Labcorp Genetics (formerly Invitae), Labcorp
Classification: Likely benign for Hypertrophic cardiomyopathy. Last evaluated: 2025-12-09. Review status: criteria provided, single submitter. Criteria: Invitae Variant Classification Sherloc (09022015). Collection method: clinical testing. Allele origin: germline.

PreventionGenetics, part of Exact Sciences
Classification: Likely benign for JPH2-related condition. Last evaluated: 2025-03-07. Review status: criteria provided, single submitter. Criteria: ACMG Guidelines, 2015. Collection method: clinical testing. Allele origin: germline.
Comment: This variant is classified as likely benign based on ACMG/AMP sequence variant interpretation guidelines (Richards et al. 2015 PMID: 25741868, with internal and published modifications).

Blueprint Genetics
Classification: Likely benign. Last evaluated: 2023-08-17. Review status: criteria provided, single submitter. Criteria: ACMG Guidelines, 2015. Collection method: clinical testing. Allele origin: germline.

Ambry Genetics
Classification: Likely benign for Cardiovascular phenotype. Last evaluated: 2018-12-04. Review status: criteria provided, single submitter. Criteria: Ambry Variant Classification Scheme 2023. Collection method: clinical testing. Allele origin: germline.

NM_020433.5(JPH2):c.1808C>T (p.Pro603Leu)

Gene: JPH2 (junctophilin 2; minus strand). Cytogenetic location: 20q13.12.
Variant type: single nucleotide variant.
Coding change: c.1808C>T on transcript NM_020433.5 (MANE Select); coding-DNA position 1808, C replaced by T.
Protein change: p.Pro603Leu; replaces proline 603 with leucine.
Molecular consequence: missense variant.
Genome position (GRCh38, 1-based): chr20:44,115,867, G>A on the plus strand (C>T on the coding strand, the complement: JPH2 is on the minus strand). VCF-style: chr20-44115867-G-A. GRCh37 (hg19) VCF-style: chr20-42744507-G-A.
Other names: short protein forms P603L.
Identifiers: ClinVar variation 518802 (VCV000518802.18), dbSNP rs199845988, ClinGen allele CA9868598.